The following is an entry in ClinVar:

NM_001040142.2(SCN2A):c.4940G>A (p.Arg1647His)

Gene: SCN2A (sodium voltage-gated channel alpha subunit 2; plus strand). Cytogenetic location: 2q24.3.
Variant type: single nucleotide variant.
Coding change: c.4940G>A on transcript NM_001040142.2 (MANE Select); coding-DNA position 4940, G replaced by A.
Protein change: p.Arg1647His; replaces arginine 1647 with histidine.
Molecular consequence: missense variant.
Genome position (GRCh38, 1-based): chr2:165,388,746, G>A. VCF-style: chr2-165388746-G-A. GRCh37 (hg19) VCF-style: chr2-166245256-G-A.
Other names: c.4940G>A, p.Arg1647His (NM_001040143.2, NM_001371246.1, NM_001371247.1 and 1 more transcripts); short protein forms R1647H.
Identifiers: ClinVar variation 208746 (VCV000208746.10), dbSNP rs797044927, ClinGen allele CA204809.

ClinVar aggregate classification (germline): Conflicting classifications of pathogenicity. Review status: criteria provided, conflicting classifications (1 of 4 stars). 3 submissions from 3 submitters: Likely pathogenic (1); Uncertain significance (2). Last evaluated 2025-11-15.

Conditions:
Seizures, benign familial infantile, 3 (BFIS3). Also called: Familial neonatal seizures; CONVULSIONS, BENIGN FAMILIAL INFANTILE, 3. Identifiers: Orphanet 140927, Orphanet 306, MedGen C1843140, MONDO:0011904, OMIM 607745.
Developmental and epileptic encephalopathy, 11 (DEE11). Also called: Early infantile epileptic encephalopathy 11. Identifiers: Orphanet 1934, MedGen C3150987, MONDO:0013388, OMIM 613721.
Inborn genetic diseases. Identifiers: MedGen C0950123, MeSH D030342.

Submissions (3):

GeneDx
Classification: Likely pathogenic. Last evaluated: 2025-11-15. Review status: criteria provided, single submitter. Criteria: GeneDx Variant Classification Process June 2021. Collection method: clinical testing. Allele origin: germline. Affected: yes.
Comment: Has not been previously published as pathogenic or benign to our knowledge; Not observed at significant frequency in large population cohorts (gnomAD); This substitution is predicted to be within the intracellular loop between the S4 and S5 transmembrane segments of the fourth homologous domain; In silico analysis supports that this missense variant has a deleterious effect on protein structure/function; This variant is associated with the following publications: (PMID: 29466837)

Labcorp Genetics (formerly Invitae), Labcorp
Classification: Uncertain significance for Seizures, benign familial infantile, 3; Developmental and epileptic encephalopathy, 11. Last evaluated: 2024-08-18. Review status: criteria provided, single submitter. Criteria: Invitae Variant Classification Sherloc (09022015). Collection method: clinical testing. Allele origin: germline.
Comment: This sequence change replaces arginine, which is basic and polar, with histidine, which is basic and polar, at codon 1647 of the SCN2A protein (p.Arg1647His). This variant is not present in population databases (gnomAD no frequency). This variant has not been reported in the literature in individuals affected with SCN2A-related conditions. ClinVar contains an entry for this variant (Variation ID: 208746). Invitae Evidence Modeling of protein sequence and biophysical properties (such as structural, functional, and spatial information, amino acid conservation, physicochemical variation, residue mobility, and thermodynamic stability) indicates that this missense variant is expected to disrupt SCN2A protein function with a positive predictive value of 95%. In summary, the available evidence is currently insufficient to determine the role of this variant in disease. Therefore, it has been classified as a Variant of Uncertain Significance.

Ambry Genetics
Classification: Uncertain significance for Inborn genetic diseases. Last evaluated: 2013-07-15. Review status: criteria provided, single submitter. Criteria: Ambry Autosomal Dominant and X-Linked criteria (10/2015). Collection method: clinical testing. Allele origin: germline. Observed: 1 variant allele.
Comment: There is insufficient or conflicting evidence for classification of this alteration.